The following is an entry in ClinVar:

NM_004304.5(ALK):c.2009C>T (p.Ser670Leu)

Gene: ALK (ALK receptor tyrosine kinase; minus strand). Cytogenetic location: 2p23.2.
Variant type: single nucleotide variant.
Coding change: c.2009C>T on transcript NM_004304.5 (MANE Select); coding-DNA position 2009, C replaced by T.
Protein change: p.Ser670Leu; replaces serine 670 with leucine.
Molecular consequence: missense variant.
Genome position (GRCh38, 1-based): chr2:29,275,131, G>A on the plus strand (C>T on the coding strand, the complement: ALK is on the minus strand). VCF-style: chr2-29275131-G-A. GRCh37 (hg19) VCF-style: chr2-29497997-G-A.
Other names: c.2009C>T (NM_004304.4); short protein forms S670L.
Identifiers: ClinVar variation 3007154 (VCV003007154.4), dbSNP rs1665499380, ClinGen allele CA346479625.

ClinVar aggregate classification (germline): Uncertain significance. Review status: criteria provided, multiple submitters, no conflicts (2 of 4 stars). 2 submissions from 2 submitters: Uncertain significance (2). Last evaluated 2025-08-20.

Conditions:
Hereditary cancer-predisposing syndrome. Also called: Hereditary neoplastic syndrome; Hereditary Cancer Syndrome; Neoplastic Syndromes, Hereditary; Tumor predisposition. Identifiers: Orphanet 140162, MedGen C0027672, MeSH D009386, MONDO:0015356.
Neuroblastoma, susceptibility to, 3. Also called: ALK-Related Neuroblastic Tumor Susceptibility. Identifiers: Orphanet 635, MedGen C2751681, MONDO:0013083, OMIM 613014.

Allele frequency attached by ClinVar (database versions not stated): gnomAD exomes below 0.00001; TOPMed below 0.00001.
gnomAD v4.1: 1 of 1,614,158 alleles (0.000062%); highest among the groups gnomAD compares: Admixed American, 0.0017%; no homozygotes.

Submissions (2):

Ambry Genetics
Classification: Uncertain significance for Hereditary cancer-predisposing syndrome. Last evaluated: 2025-08-20. Review status: criteria provided, single submitter. Criteria: Ambry Variant Classification Scheme 2023. Collection method: clinical testing. Allele origin: germline.
Comment: The p.S670L variant (also known as c.2009C>T), located in coding exon 11 of the ALK gene, results from a C to T substitution at nucleotide position 2009. The serine at codon 670 is replaced by leucine, an amino acid with dissimilar properties. This amino acid position is conserved. In addition, this alteration is predicted to be tolerated by in silico analysis. Based on the available evidence, the clinical significance of this variant remains unclear.

Labcorp Genetics (formerly Invitae), Labcorp
Classification: Uncertain significance for Neuroblastoma, susceptibility to, 3. Last evaluated: 2025-04-22. Review status: criteria provided, single submitter. Criteria: Invitae Variant Classification Sherloc (09022015). Collection method: clinical testing. Allele origin: germline.
Comment: This sequence change replaces serine, which is neutral and polar, with leucine, which is neutral and non-polar, at codon 670 of the ALK protein (p.Ser670Leu). This variant is not present in population databases (gnomAD no frequency). This variant has not been reported in the literature in individuals affected with ALK-related conditions. ClinVar contains an entry for this variant (Variation ID: 3007154). An algorithm developed to predict the effect of missense changes on protein structure and function (PolyPhen-2) suggests that this variant is likely to be tolerated. In summary, the available evidence is currently insufficient to determine the role of this variant in disease. Therefore, it has been classified as a Variant of Uncertain Significance.